The following is an entry in ClinVar:

NM_030762.3(BHLHE41):c.435C>T (p.Tyr145=)

Genes: BHLHE41 (basic helix-loop-helix family member e41; minus strand), SSPN (sarcospan; plus strand). Cytogenetic location: 12p12.1.
Variant type: single nucleotide variant.
Coding change: c.435C>T on transcript NM_030762.3 (MANE Select); coding-DNA position 435, C replaced by T.
Protein change: p.Tyr145=; no amino-acid change (tyrosine 145 retained).
Molecular consequence: synonymous variant.
Genome position (GRCh38, 1-based): chr12:26,123,080, G>A on the plus strand (C>T on the coding strand, the complement: BHLHE41 is on the minus strand). VCF-style: chr12-26123080-G-A. GRCh37 (hg19) VCF-style: chr12-26276013-G-A.
Identifiers: ClinVar variation 2642800 (VCV002642800.24), dbSNP rs200886903, ClinGen allele CA6487699.

ClinVar aggregate classification (germline): Likely benign (1 of 4 stars; one submission).

Allele frequency attached by ClinVar (database versions not stated): gnomAD exomes 0.00051; gnomAD 0.00054; 1000 Genomes Project 30x 0.00016; 1000 Genomes Project 0.00020; TOPMed 0.00060; ESP Exome Variant Server 0.00062; ExAC 0.00111.
gnomAD v4.1: 848 of 1,601,018 alleles (0.053%); highest among the groups gnomAD compares: Middle Eastern, 0.89%; 1 homozygote.

Submission:

CeGaT Center for Human Genetics Tuebingen
Classification: Likely benign. Last evaluated: 2025-03-01. Review status: criteria provided, single submitter. Criteria: CeGaT Center For Human Genetics Tuebingen Variant Classification Criteria Version 2. Collection method: clinical testing. Allele origin: germline. Affected: yes. Observed: 2 variant alleles.
Comment: BHLHE41: BP4, BP7